The following is an entry in ClinVar:

ClinVar aggregate classification (germline): Likely benign (1 of 4 stars; one submission).

Submission:

GeneDx
Classification: Likely benign. Last evaluated: 2019-09-27. Review status: criteria provided, single submitter. Criteria: GeneDx Variant Classification Process June 2021. Collection method: clinical testing. Allele origin: germline. Affected: yes.
Comment: See Variant Classification Assertion Criteria.

NM_015443.4(KANSL1):c.421A>G (p.Met141Val)

Gene: KANSL1 (KAT8 regulatory NSL complex subunit 1). Cytogenetic location: 17q21.31.
Variant type: single nucleotide variant.
Coding change: c.421A>G on transcript NM_015443.4 (MANE Select); coding-DNA position 421, A replaced by G.
Protein change: p.Met141Val; replaces methionine 141 with valine.
Molecular consequence: missense variant.
Genome position (GRCh38, 1-based): chr17:46,171,723, T>C on the plus strand (A>G on the coding strand, the complement: KANSL1 is on the minus strand). VCF-style: chr17-46171723-T-C. GRCh37 (hg19) VCF-style: chr17-44249089-T-C.
Other names: c.421A>G, p.Met141Val (NM_001193465.2, NM_001193466.2, NM_001379198.1 and 18 more transcripts); short protein forms M141V.
Identifiers: ClinVar variation 1704813 (VCV001704813.2), dbSNP rs2545090655, ClinGen allele CA399981887.